The following is an entry in ClinVar:

ClinVar aggregate classification (germline): Likely benign (1 of 4 stars; one submission).

gnomAD v4.1: 1 of 1,611,962 alleles (0.000062%); highest among the groups gnomAD compares: Non-Finnish European, 0.000085%; no homozygotes.

Submission:

CeGaT Center for Human Genetics Tuebingen
Classification: Likely benign. Last evaluated: 2025-02-01. Review status: criteria provided, single submitter. Criteria: CeGaT Center For Human Genetics Tuebingen Variant Classification Criteria Version 2. Collection method: clinical testing. Allele origin: germline. Affected: yes. Observed: 1 variant allele.
Comment: RANBP2: BP4, BP7

NM_006267.5(RANBP2):c.6792A>G (p.Thr2264=)

Gene: RANBP2 (RAN binding protein 2; plus strand). Cytogenetic location: 2q13.
Variant type: single nucleotide variant.
Coding change: c.6792A>G on transcript NM_006267.5 (MANE Select); coding-DNA position 6792, A replaced by G.
Protein change: p.Thr2264=; no amino-acid change (threonine 2264 retained).
Molecular consequence: synonymous variant.
Genome position (GRCh38, 1-based): chr2:108,767,331, A>G. VCF-style: chr2-108767331-A-G. GRCh37 (hg19) VCF-style: chr2-109383787-A-G.
Other names: c.6792A>G, p.Thr2264= (NM_001415871.1, NM_001415873.1); c.6789A>G, p.Thr2263= (NM_001415872.1).
Identifiers: ClinVar variation 3771823 (VCV003771823.13).